The following is an entry in ClinVar:

ClinVar aggregate classification (germline): Uncertain significance (1 of 4 stars; one submission).

Conditions:
Hereditary cancer-predisposing syndrome. Also called: Hereditary Cancer Syndrome; Neoplastic Syndromes, Hereditary; Tumor predisposition; Hereditary neoplastic syndrome. Identifiers: Orphanet 140162, MedGen C0027672, MeSH D009386, MONDO:0015356.

Submission:

Ambry Genetics
Classification: Uncertain significance for Hereditary cancer-predisposing syndrome. Last evaluated: 2016-01-11. Review status: criteria provided, single submitter. Criteria: Ambry Variant Classification Scheme 2023. Collection method: clinical testing. Allele origin: germline.
Comment: The p.L309P variant (also known as c.926T>C), located in coding exon 8 of the CHEK2 gene, results from a T to C substitution at nucleotide position 926. The leucine at codon 309 is replaced by proline, an amino acid with similar properties. This variant was not reported in population based cohorts in the following databases: Database of Single Nucleotide Polymorphisms (dbSNP), NHLBI Exome Sequencing Project (ESP), and 1000 Genomes Project. In the ESP, this variant was not observed in 6503 samples (13006 alleles) with coverage at this position. To date, this alteration has been detected with an allele frequency of approximately 0.001% (greater than 200000 alleles tested) in our clinical cohort. Based on protein sequence alignment, this amino acid position is highly conserved in available vertebrate species. In addition, this alteration is predicted to be deleterious by in silico analysis. Since supporting evidence is limited at this time, the clinical significance of p.L309P remains unclear.

NM_007194.4(CHEK2):c.926T>C (p.Leu309Pro)

Gene: CHEK2 (checkpoint kinase 2; minus strand). Cytogenetic location: 22q12.1.
Variant type: single nucleotide variant.
Coding change: c.926T>C on transcript NM_007194.4 (MANE Select); coding-DNA position 926, T replaced by C.
Protein change: p.Leu309Pro; replaces leucine 309 with proline.
Molecular consequence: missense variant.
Genome position (GRCh38, 1-based): chr22:28,699,920, A>G on the plus strand (T>C on the coding strand, the complement: CHEK2 is on the minus strand). VCF-style: chr22-28699920-A-G. GRCh37 (hg19) VCF-style: chr22-29095908-A-G.
Other names: c.725T>C, p.Leu242Pro (NM_001349956.3); c.926T>C, p.Leu309Pro (NM_145862.3); c.1055T>C, p.Leu352Pro (NM_001005735.3); c.263T>C, p.Leu88Pro (NM_001257387.3); short protein forms L309P, L88P, L242P, L352P.
Identifiers: ClinVar variation 479541 (VCV000479541.5), dbSNP rs786201734, ClinGen allele CA411100082.